The following is an entry in ClinVar:

ClinVar aggregate classification (germline): Uncertain significance (1 of 4 stars; one submission).

Submission:

Labcorp Genetics (formerly Invitae), Labcorp
Classification: Uncertain significance. Last evaluated: 2024-02-23. Review status: criteria provided, single submitter. Criteria: Invitae Variant Classification Sherloc (09022015). Collection method: clinical testing. Allele origin: germline.
Comment: This sequence change replaces valine, which is neutral and non-polar, with leucine, which is neutral and non-polar, at codon 490 of the SERPING1 protein (p.Val490Leu). This variant is not present in population databases (gnomAD no frequency). This variant has not been reported in the literature in individuals affected with SERPING1-related conditions. Advanced modeling of protein sequence and biophysical properties (such as structural, functional, and spatial information, amino acid conservation, physicochemical variation, residue mobility, and thermodynamic stability) performed at Invitae indicates that this missense variant is not expected to disrupt SERPING1 protein function with a negative predictive value of 80%. In summary, the available evidence is currently insufficient to determine the role of this variant in disease. Therefore, it has been classified as a Variant of Uncertain Significance.

NM_000062.3(SERPING1):c.1468G>C (p.Val490Leu)

Gene: SERPING1 (serpin family G member 1; plus strand). Cytogenetic location: 11q12.1.
Variant type: single nucleotide variant.
Coding change: c.1468G>C on transcript NM_000062.3 (MANE Select); coding-DNA position 1468, G replaced by C.
Protein change: p.Val490Leu; replaces valine 490 with leucine.
Molecular consequence: missense variant.
Genome position (GRCh38, 1-based): chr11:57,614,546, G>C. VCF-style: chr11-57614546-G-C. GRCh37 (hg19) VCF-style: chr11-57382019-G-C.
Other names: c.1468G>C, p.Val490Leu (NM_001032295.2); short protein forms V490L.
Identifiers: ClinVar variation 2754371 (VCV002754371.3), dbSNP rs2495458639, ClinGen allele CA380690903.